The following is an entry in ClinVar:

NM_032634.4(PIGO):c.484A>G (p.Asn162Asp)

Gene: PIGO (phosphatidylinositol glycan anchor biosynthesis class O; minus strand). Cytogenetic location: 9p13.3.
Variant type: single nucleotide variant.
Coding change: c.484A>G on transcript NM_032634.4 (MANE Select); coding-DNA position 484, A replaced by G.
Protein change: p.Asn162Asp; replaces asparagine 162 with aspartic acid.
Molecular consequence: missense variant.
Genome position (GRCh38, 1-based): chr9:35,095,082, T>C on the plus strand (A>G on the coding strand, the complement: PIGO is on the minus strand). VCF-style: chr9-35095082-T-C. GRCh37 (hg19) VCF-style: chr9-35095079-T-C.
Other names: c.484A>G, p.Asn162Asp (NM_001201484.2, NM_152850.4); short protein forms N162D.
Identifiers: ClinVar variation 430076 (VCV000430076.6), dbSNP rs776095449, ClinGen allele CA5040932.

ClinVar aggregate classification (germline): Uncertain significance. Review status: criteria provided, multiple submitters, no conflicts (2 of 4 stars). 3 submissions from 3 submitters: Uncertain significance (3). Last evaluated 2021-09-24.

Conditions:
Hyperphosphatasia with impaired intellectual development syndrome 2. Also called: GLYCOSYLPHOSPHATIDYLINOSITOL BIOSYNTHESIS DEFECT 6; Hyperphosphatasia with intellectual disability syndrome 2. Identifiers: Orphanet 247262, MedGen C3553637, MONDO:0013882, OMIM 614749.

Allele frequency attached by ClinVar (database versions not stated): gnomAD exomes 0.00001; ExAC 0.00001.

Submissions (3):

Labcorp Genetics (formerly Invitae), Labcorp
Classification: Uncertain significance for Hyperphosphatasia with impaired intellectual development syndrome 2. Last evaluated: 2021-09-24. Review status: criteria provided, single submitter. Criteria: Invitae Variant Classification Sherloc (09022015). Collection method: clinical testing. Allele origin: germline.
Comment: This sequence change replaces asparagine with aspartic acid at codon 162 of the PIGO protein (p.Asn162Asp). The asparagine residue is highly conserved and there is a small physicochemical difference between asparagine and aspartic acid. This variant is present in population databases (rs776095449, ExAC 0.009%). This missense change has been observed in individual(s) with clinical features of PIGO-congenital disorder of glycosylation (Invitae). ClinVar contains an entry for this variant (Variation ID: 430076). Algorithms developed to predict the effect of missense changes on protein structure and function are either unavailable or do not agree on the potential impact of this missense change (SIFT: "Deleterious"; PolyPhen-2: "Probably Damaging"; Align-GVGD: "Class C0"). In summary, the available evidence is currently insufficient to determine the role of this variant in disease. Therefore, it has been classified as a Variant of Uncertain Significance.

CENTOGENE GmbH and LLC - Guiding Precision Medicine
Classification: Uncertain significance for Hyperphosphatasia with impaired intellectual development syndrome 2. Last evaluated: 2019-04-24. Review status: criteria provided, single submitter. Criteria: ACMG Guidelines, 2015. Collection method: clinical testing. Allele origin: germline. Affected: yes.

GeneDx
Classification: Uncertain significance. Last evaluated: 2017-05-16. Review status: criteria provided, single submitter. Criteria: GeneDx Variant Classification (06012015). Collection method: clinical testing. Allele origin: germline. Affected: yes.
Comment: A variant of uncertain significance has been identified in the PIGO gene. The N162D variant has not been published as a pathogenic variant, nor has it been reported as a benign variant to our knowledge. The N162D variant is not observed at a significant frequency in large population cohorts (Lek et al., 2016; 1000 Genomes Consortium et al., 2015; Exome Variant Server). The N162D variant is a semi-conservative amino acid substitution, which may impact secondary protein structure as these residues differ in some properties. This substitution occurs at a position that is conserved across species, and in silico analysis predicts this variant is probably damaging to the protein structure/function. Based on the currently available information, it is unclear whether this variant is a pathogenic variant or a rare benign variant.